The following is an entry in ClinVar:

ClinVar aggregate classification (germline): Uncertain significance. Review status: criteria provided, multiple submitters, no conflicts (2 of 4 stars). 2 submissions from 2 submitters: Uncertain significance (2). Last evaluated 2025-06-13.

Conditions:
Inborn genetic diseases. Identifiers: MedGen C0950123, MeSH D030342.
Cowden syndrome (CS). Also called: Cowden's disease; Cowden's syndrome; Cowden disease. Identifiers: Orphanet 201, MedGen C0018553, MONDO:0016063. Disease mechanism: gain of function.

Allele frequency attached by ClinVar (database versions not stated): gnomAD exomes below 0.00001; TOPMed below 0.00001; gnomAD 0.00001.
gnomAD v4.1: 2 of 1,612,306 alleles (0.00012%); highest among the groups gnomAD compares: Admixed American, 0.0033%; no homozygotes.

Submissions (2):

Ambry Genetics
Classification: Uncertain significance for Inborn genetic diseases. Last evaluated: 2025-06-13. Review status: criteria provided, single submitter. Criteria: Ambry Variant Classification Scheme 2023. Collection method: clinical testing. Allele origin: germline.
Comment: The p.Y272H variant (also known as c.814T>C) is located in coding exon 4 of the PIK3CA gene. The tyrosine at codon 272 is replaced by histidine, an amino acid with similar properties. This change occurs in the first base pair of coding exon 4. This amino acid position is conserved. In addition, this alteration is predicted to be deleterious by in silico analysis. Based on the available evidence, the clinical significance of this variant remains unclear.

Labcorp Genetics (formerly Invitae), Labcorp
Classification: Uncertain significance for Cowden syndrome. Last evaluated: 2021-05-13. Review status: criteria provided, single submitter. Criteria: Invitae Variant Classification Sherloc (09022015). Collection method: clinical testing. Allele origin: germline.
Comment: In summary, the available evidence is currently insufficient to determine the role of this variant in disease. Therefore, it has been classified as a Variant of Uncertain Significance. Algorithms developed to predict the effect of missense changes on protein structure and function are either unavailable or do not agree on the potential impact of this missense change (SIFT: "Deleterious"; PolyPhen-2: "Probably Damaging"; Align-GVGD: "Class C0"). This variant has not been reported in the literature in individuals with PIK3CA-related conditions. This variant is not present in population databases (ExAC no frequency). This sequence change replaces tyrosine with histidine at codon 272 of the PIK3CA protein (p.Tyr272His). The tyrosine residue is highly conserved and there is a moderate physicochemical difference between tyrosine and histidine.

NM_006218.4(PIK3CA):c.814T>C (p.Tyr272His)

Gene: PIK3CA (phosphatidylinositol-4,5-bisphosphate 3-kinase catalytic subunit alpha; plus strand). Cytogenetic location: 3q26.32.
Variant type: single nucleotide variant.
Coding change: c.814T>C on transcript NM_006218.4 (MANE Select); coding-DNA position 814, T replaced by C.
Protein change: p.Tyr272His; replaces tyrosine 272 with histidine.
Molecular consequence: missense variant.
Genome position (GRCh38, 1-based): chr3:179,203,544, T>C. VCF-style: chr3-179203544-T-C. GRCh37 (hg19) VCF-style: chr3-178921332-T-C.
Other names: c.814T>C (NM_006218.2); short protein forms Y272H.
Identifiers: ClinVar variation 1353380 (VCV001353380.9), dbSNP rs1724476312, ClinGen allele CA355279571.